The following is an entry in ClinVar:

NM_201253.3(CRB1):c.2557C>A (p.Gln853Lys)

Gene: CRB1 (crumbs cell polarity complex component 1; plus strand). Cytogenetic location: 1q31.3.
Variant type: single nucleotide variant.
Coding change: c.2557C>A on transcript NM_201253.3 (MANE Select); coding-DNA position 2557, C replaced by A.
Protein change: p.Gln853Lys; replaces glutamine 853 with lysine.
Molecular consequence: missense variant. On other transcripts: non-coding transcript variant (2), intron variant (1).
Genome position (GRCh38, 1-based): chr1:197,427,882, C>A. VCF-style: chr1-197427882-C-A. GRCh37 (hg19) VCF-style: chr1-197397012-C-A.
Other names: c.2221C>A, p.Gln741Lys (NM_001193640.2); c.2350C>A, p.Gln784Lys (NM_001257965.2); c.2128+5926C>A (NM_001257966.2); short protein forms Q853K, Q741K, Q784K.
Identifiers: ClinVar variation 2109664 (VCV002109664.4), dbSNP rs2528152280, ClinGen allele CA344038263.

ClinVar aggregate classification (germline): Uncertain significance (1 of 4 stars; one submission).

Conditions:
Leber congenital amaurosis 8 (LCA8). Identifiers: Orphanet 65, MedGen C3151202, MONDO:0013453, OMIM 613835.
Retinitis pigmentosa 12 (RP12). Also called: RP WITH OR WITHOUT PPRPE; RP WITH OR WITHOUT PRESERVED PARAARTERIOLE RETINAL PIGMENT EPITHELIUM; RETINITIS PIGMENTOSA WITH OR WITHOUT PARAARTERIOLAR PRESERVATION OF RETINAL PIGMENT EPITHELIUM. Identifiers: Orphanet 791, MedGen C1838647, MONDO:0010818, OMIM 600105.

Submission:

Labcorp Genetics (formerly Invitae), Labcorp
Classification: Uncertain significance for Leber congenital amaurosis 8; Retinitis pigmentosa 12. Last evaluated: 2022-03-12. Review status: criteria provided, single submitter. Criteria: Invitae Variant Classification Sherloc (09022015). Collection method: clinical testing. Allele origin: germline.
Comment: This missense change has been observed in individual(s) with retinitis pigmentosa (Invitae). This variant is not present in population databases (gnomAD no frequency). This sequence change replaces glutamine, which is neutral and polar, with lysine, which is basic and polar, at codon 853 of the CRB1 protein (p.Gln853Lys). Advanced modeling of protein sequence and biophysical properties (such as structural, functional, and spatial information, amino acid conservation, physicochemical variation, residue mobility, and thermodynamic stability) performed at Invitae indicates that this missense variant is expected to disrupt CRB1 protein function. In summary, the available evidence is currently insufficient to determine the role of this variant in disease. Therefore, it has been classified as a Variant of Uncertain Significance.